The following is an entry in ClinVar:

ClinVar aggregate classification (germline): Likely benign (1 of 4 stars; one submission).

Allele frequency attached by ClinVar (database versions not stated): TOPMed below 0.00001; gnomAD 0.00001; gnomAD exomes 0.00001.
gnomAD v4.1: 12 of 1,613,182 alleles (0.00074%); highest among the groups gnomAD compares: Non-Finnish European, 0.001%; no homozygotes.

Submission:

CeGaT Center for Human Genetics Tuebingen
Classification: Likely benign. Last evaluated: 2022-03-01. Review status: criteria provided, single submitter. Criteria: CeGaT Center For Human Genetics Tuebingen Variant Classification Criteria Version 2. Collection method: clinical testing. Allele origin: germline. Affected: yes. Observed: 1 variant allele.
Comment: ATP1A3: BP4, BP7

NM_152296.5(ATP1A3):c.750C>T (p.Ala250=)

Gene: ATP1A3 (ATPase Na+/K+ transporting subunit alpha 3; minus strand). Cytogenetic location: 19q13.2.
Variant type: single nucleotide variant.
Coding change: c.750C>T on transcript NM_152296.5 (MANE Select); coding-DNA position 750, C replaced by T.
Protein change: p.Ala250=; no amino-acid change (alanine 250 retained).
Molecular consequence: synonymous variant.
Genome position (GRCh38, 1-based): chr19:41,985,161, G>A on the plus strand (C>T on the coding strand, the complement: ATP1A3 is on the minus strand). VCF-style: chr19-41985161-G-A. GRCh37 (hg19) VCF-style: chr19-42489313-G-A.
Other names: c.783C>T, p.Ala261= (NM_001256213.2); c.789C>T, p.Ala263= (NM_001256214.2).
Identifiers: ClinVar variation 1675745 (VCV001675745.33), dbSNP rs1555864916, ClinGen allele CA507695269.